The following is an entry in ClinVar:

NM_000540.3(RYR1):c.14825G>A (p.Gly4942Asp)

Gene: RYR1 (ryanodine receptor 1; plus strand). Cytogenetic location: 19q13.2.
Variant type: single nucleotide variant.
Coding change: c.14825G>A on transcript NM_000540.3 (MANE Select); coding-DNA position 14825, G replaced by A.
Protein change: p.Gly4942Asp; replaces glycine 4942 with aspartic acid.
Molecular consequence: missense variant.
Genome position (GRCh38, 1-based): chr19:38,585,959, G>A. VCF-style: chr19-38585959-G-A. GRCh37 (hg19) VCF-style: chr19-39076599-G-A.
Other names: c.14810G>A, p.Gly4937Asp (NM_001042723.2); short protein forms G4937D, G4942D.
Identifiers: ClinVar variation 4886151 (VCV004886151.2).

ClinVar aggregate classification (germline): Uncertain significance (1 of 4 stars; one submission).

Submission:

Dasa
Classification: Uncertain significance. Last evaluated: 2025-10-14. Review status: criteria provided, single submitter. Criteria: DASA Assertion Criteria. Collection method: clinical testing. Allele origin: germline.
Comment: NM_000540.3(RYR1):c.14825G>A (p.Gly4942Asp) is a missense variant that results in the substitution of glycine with aspartic acid. The affected residue or protein region has prior evidence supporting clinical relevance. This variant is absent from population databases. Computational prediction algorithms are consistent with a deleterious effect. The currently available literature and clinical evidence are not sufficient to establish a definitive association between this variant and the reported condition. Therefore, this variant is classified as a variant of uncertain significance.